The following is an entry in ClinVar:

ClinVar aggregate classification (germline): Likely benign. Review status: criteria provided, multiple submitters, no conflicts (2 of 4 stars). 2 submissions from 2 submitters: Likely benign (2). Last evaluated 2025-06-12.

Conditions:
Jeune thoracic dystrophy. Also called: Jeune syndrome; Infantile thoracic dystrophy; Thoracic pelvic phalangeal dystrophy; Jeune's syndrome; Chondroectodermal dysplasia-like syndrome; Short-rib thoracic dysplasia. Identifiers: Orphanet 474, MedGen C0265275, MONDO:0018770.
Nephronophthisis. Also called: Juvenile Nephronophthisis. Identifiers: Orphanet 655, MedGen C0687120, MONDO:0019005, HP:0000090.
TTC21B-related disorder. Also called: TTC21B-related condition; TTC21B-related disorders.

Allele frequency attached by ClinVar (database versions not stated): gnomAD exomes below 0.00001; gnomAD 0.00001.
gnomAD v4.1: 4 of 1,613,632 alleles (0.00025%); highest among the groups gnomAD compares: African/African-American, 0.0053%; no homozygotes.

Submissions (2):

Labcorp Genetics (formerly Invitae), Labcorp
Classification: Likely benign for Jeune thoracic dystrophy; Nephronophthisis. Last evaluated: 2025-06-12. Review status: criteria provided, single submitter. Criteria: Invitae Variant Classification Sherloc (09022015). Collection method: clinical testing. Allele origin: germline.

PreventionGenetics, part of Exact Sciences
Classification: Likely benign for TTC21B-related condition. Last evaluated: 2025-02-17. Review status: criteria provided, single submitter. Criteria: ACMG Guidelines, 2015. Collection method: clinical testing. Allele origin: germline.
Comment: This variant is classified as likely benign based on ACMG/AMP sequence variant interpretation guidelines (Richards et al. 2015 PMID: 25741868, with internal and published modifications).

NM_024753.5(TTC21B):c.1443G>C (p.Leu481=)

Gene: TTC21B (tetratricopeptide repeat domain 21B; minus strand). Cytogenetic location: 2q24.3.
Variant type: single nucleotide variant.
Coding change: c.1443G>C on transcript NM_024753.5 (MANE Select); coding-DNA position 1443, G replaced by C.
Protein change: p.Leu481=; no amino-acid change (leucine 481 retained).
Molecular consequence: synonymous variant.
Genome position (GRCh38, 1-based): chr2:165,924,622, C>G on the plus strand (G>C on the coding strand, the complement: TTC21B is on the minus strand). VCF-style: chr2-165924622-C-G. GRCh37 (hg19) VCF-style: chr2-166781132-C-G.
Other names: c.1443G>C (NM_024753.4).
Identifiers: ClinVar variation 2930994 (VCV002930994.4), dbSNP rs1686554908, ClinGen allele CA429900960.
Genomic context (GRCh38, chr2:165,924,622, plus strand): 5'-CACTTTTGCTATTAGGAAGACTGTTTGCAGAAGACCTGGAACAGTTCTTACTACAGTCTC[C>G]AGGACTGAGATGCAACGCCTGAGAAGTGGACAAAGAGGTTGCCCAGGACTTGCAGGCTAA-3'
Protein context (NP_079029.3, residues 471-491): CPLLRRCISV[Leu481=]ETVVRTVPGL